The following is an entry in ClinVar:

ClinVar aggregate classification (germline): Uncertain significance. Review status: criteria provided, multiple submitters, no conflicts (2 of 4 stars). 2 submissions from 2 submitters: Uncertain significance (2). Last evaluated 2025-11-20.

Conditions:
Arrhythmogenic cardiomyopathy with wooly hair and keratoderma. Also called: Carvajal syndrome; PALMOPLANTAR KERATODERMA WITH LEFT VENTRICULAR CARDIOMYOPATHY AND WOOLLY HAIR; Dilated cardiomyopathy with woolly hair and keratoderma; Arrhythmogenic cardiomyopathy with woolly hair and keratoderma. Identifiers: Orphanet 65282, MedGen C1854063, MONDO:0011581, OMIM 605676.
Arrhythmogenic right ventricular dysplasia 8 (ARVD8). Also called: Arrhythmogenic Right Ventricular Dysplasia/Cardiomyopathy 8; ARRHYTHMOGENIC RIGHT VENTRICULAR DYSPLASIA, FAMILIAL, 8; ARRHYTHMOGENIC RIGHT VENTRICULAR CARDIOMYOPATHY 8. Identifiers: MedGen C1843896, MONDO:0011831, OMIM 607450.
Cardiovascular phenotype. Identifiers: MedGen CN230736.

Allele frequency attached by ClinVar (database versions not stated): gnomAD exomes below 0.00001.

Submissions (2):

Labcorp Genetics (formerly Invitae), Labcorp
Classification: Uncertain significance for Arrhythmogenic cardiomyopathy with wooly hair and keratoderma; Arrhythmogenic right ventricular dysplasia 8. Last evaluated: 2025-11-20. Review status: criteria provided, single submitter. Criteria: Invitae Variant Classification Sherloc (09022015). Collection method: clinical testing. Allele origin: germline.
Comment: This sequence change replaces methionine, which is neutral and non-polar, with isoleucine, which is neutral and non-polar, at codon 204 of the DSP protein (p.Met204Ile). This variant is present in population databases (no rsID available, gnomAD 0.006%). This variant has not been reported in the literature in individuals affected with DSP-related conditions. ClinVar contains an entry for this variant (Variation ID: 953628). An algorithm developed to predict the effect of missense changes on protein structure and function (PolyPhen-2) suggests that this variant is likely to be tolerated. In summary, the available evidence is currently insufficient to determine the role of this variant in disease. Therefore, it has been classified as a Variant of Uncertain Significance.

Ambry Genetics
Classification: Uncertain significance for Cardiovascular phenotype. Last evaluated: 2023-09-07. Review status: criteria provided, single submitter. Criteria: Ambry Variant Classification Scheme 2023. Collection method: clinical testing. Allele origin: germline.
Comment: The p.M204I variant (also known as c.612G>C), located in coding exon 5 of the DSP gene, results from a G to C substitution at nucleotide position 612. The methionine at codon 204 is replaced by isoleucine, an amino acid with highly similar properties. This amino acid position is poorly conserved in available vertebrate species. In addition, this alteration is predicted to be tolerated by in silico analysis. Since supporting evidence is limited at this time, the clinical significance of this alteration remains unclear.

NM_004415.4(DSP):c.612G>C (p.Met204Ile)

Gene: DSP (desmoplakin; plus strand). Cytogenetic location: 6p24.3.
Variant type: single nucleotide variant.
Coding change: c.612G>C on transcript NM_004415.4 (MANE Select); coding-DNA position 612, G replaced by C.
Protein change: p.Met204Ile; replaces methionine 204 with isoleucine.
Molecular consequence: missense variant.
Genome position (GRCh38, 1-based): chr6:7,562,666, G>C. VCF-style: chr6-7562666-G-C. GRCh37 (hg19) VCF-style: chr6-7562899-G-C.
Other names: c.612G>C, p.Met204Ile (NM_001008844.3, NM_001319034.2); short protein forms M204I.
Identifiers: ClinVar variation 953628 (VCV000953628.11), dbSNP rs1021314728, ClinGen allele CA133953203.